The following is an entry in ClinVar:

ClinVar aggregate classification (germline): Uncertain significance (1 of 4 stars; one submission).

Allele frequency attached by ClinVar (database versions not stated): gnomAD 0.00001.
gnomAD v4.1: 1 of 1,200,381 alleles (0.000083%); highest among the groups gnomAD compares: Admixed American, 0.0022%; no homozygotes.

Submission:

GeneDx
Classification: Uncertain significance. Last evaluated: 2022-07-21. Review status: criteria provided, single submitter. Criteria: GeneDx Variant Classification Process June 2021. Collection method: clinical testing. Allele origin: germline. Affected: yes.
Comment: Not observed at significant frequency in large population cohorts (gnomAD); In silico analysis supports that this missense variant has a deleterious effect on protein structure/function; Has not been previously published as pathogenic or benign to our knowledge

NM_004187.5(KDM5C):c.2747C>T (p.Pro916Leu)

Gene: KDM5C (lysine demethylase 5C; minus strand). Cytogenetic location: Xp11.22.
Variant type: single nucleotide variant.
Coding change: c.2747C>T on transcript NM_004187.5 (MANE Select); coding-DNA position 2747, C replaced by T.
Protein change: p.Pro916Leu; replaces proline 916 with leucine.
Molecular consequence: missense variant. On other transcripts: non-coding transcript variant (3).
Genome position (GRCh38, 1-based): chrX:53,196,920, G>A on the plus strand (C>T on the coding strand, the complement: KDM5C is on the minus strand). VCF-style: chrX-53196920-G-A. GRCh37 (hg19) VCF-style: chrX-53226102-G-A.
Other names: c.2546C>T, p.Pro849Leu (NM_001146702.2); c.2744C>T, p.Pro915Leu (NM_001282622.3, NM_001353979.2, NM_001353982.2); c.2747C>T, p.Pro916Leu (NM_001353978.3, NM_001353981.2, NM_001353984.2); short protein forms P916L, P849L, P915L.
Identifiers: ClinVar variation 2136063 (VCV002136063.1), dbSNP rs1934902743, ClinGen allele CA413113120.
Genomic context (GRCh38, chrX:53,196,920, plus strand): 5'-CGTTTCACCTCATCCAGCCATCGCGCCTGTTCCACCTGCCGCTGGAGCTGCTGGGCCTCA[G>A]GCACCTCCACCCCCAGCTGCCGCCCCCTCTCCAACAGGGACTGCAGTAGCCCTGGACTGG-3'
Protein context (NP_004178.2, residues 906-926): ERGRQLGVEV[Pro916Leu]EAQQLQRQVE